The following is an entry in ClinVar:

NM_004795.4(KL):c.337G>T (p.Ala113Ser)

Gene: KL (klotho; plus strand). Cytogenetic location: 13q13.1.
Variant type: single nucleotide variant.
Coding change: c.337G>T on transcript NM_004795.4 (MANE Select); coding-DNA position 337, G replaced by T.
Protein change: p.Ala113Ser; replaces alanine 113 with serine.
Molecular consequence: missense variant.
Genome position (GRCh38, 1-based): chr13:33,016,777, G>T. VCF-style: chr13-33016777-G-T. GRCh37 (hg19) VCF-style: chr13-33590915-G-T.
Other names: short protein forms A113S.
Identifiers: ClinVar variation 3004487 (VCV003004487.3), dbSNP rs761180948, ClinGen allele CA6943875.

ClinVar aggregate classification (germline): Uncertain significance (1 of 4 stars; one submission).

Allele frequency attached by ClinVar (database versions not stated): TOPMed below 0.00001; ExAC 0.00001; gnomAD 0.00001; gnomAD exomes 0.00004.

Submission:

Labcorp Genetics (formerly Invitae), Labcorp
Classification: Uncertain significance. Last evaluated: 2026-01-08. Review status: criteria provided, single submitter. Criteria: Invitae Variant Classification Sherloc (09022015). Collection method: clinical testing. Allele origin: germline.
Comment: This sequence change replaces alanine, which is neutral and non-polar, with serine, which is neutral and polar, at codon 113 of the KL protein (p.Ala113Ser). This variant is present in population databases (rs761180948, gnomAD 0.006%). This variant has not been reported in the literature in individuals affected with KL-related conditions. ClinVar contains an entry for this variant (Variation ID: 3004487). An algorithm developed to predict the effect of missense changes on protein structure and function (PolyPhen-2) suggests that this variant is likely to be tolerated. In summary, the available evidence is currently insufficient to determine the role of this variant in disease. Therefore, it has been classified as a Variant of Uncertain Significance.